The following is an entry in ClinVar:

NM_001257180.2(SLC20A2):c.1A>G (p.Met1Val)

Gene: SLC20A2 (solute carrier family 20 member 2; minus strand). Cytogenetic location: 8p11.21.
Variant type: single nucleotide variant.
Coding change: c.1A>G on transcript NM_001257180.2 (MANE Select); coding-DNA position 1, A replaced by G.
Protein change: p.Met1Val; changes the start codon (methionine 1).
Molecular consequence: missense variant, initiator codon variant.
Genome position (GRCh38, 1-based): chr8:42,472,390, T>C on the plus strand (A>G on the coding strand, the complement: SLC20A2 is on the minus strand). VCF-style: chr8-42472390-T-C. GRCh37 (hg19) VCF-style: chr8-42329908-T-C.
Other names: c.1A>G, p.Met1Val (NM_001257181.2, NM_006749.5); short protein forms M1V.
Identifiers: ClinVar variation 2056344 (VCV002056344.5), dbSNP rs2487627037, ClinGen allele CA371090380.

ClinVar aggregate classification (germline): Uncertain significance (1 of 4 stars; one submission).

Submission:

Labcorp Genetics (formerly Invitae), Labcorp
Classification: Uncertain significance. Last evaluated: 2022-09-13. Review status: criteria provided, single submitter. Criteria: Invitae Variant Classification Sherloc (09022015). Collection method: clinical testing. Allele origin: germline.
Comment: In summary, the available evidence is currently insufficient to determine the role of this variant in disease. Therefore, it has been classified as a Variant of Uncertain Significance. Algorithms developed to predict the effect of sequence changes on RNA splicing suggest that this variant may create or strengthen a splice site. This variant has not been reported in the literature in individuals affected with SLC20A2-related conditions. This variant is not present in population databases (gnomAD no frequency). This sequence change affects the initiator methionine of the SLC20A2 mRNA. The next in-frame methionine is located at codon 3.